The following is an entry in ClinVar:

ClinVar aggregate classification (germline): Uncertain significance. Review status: criteria provided, multiple submitters, no conflicts (2 of 4 stars). 2 submissions from 2 submitters: Uncertain significance (2). Last evaluated 2025-12-19.

Conditions:
Inborn genetic diseases. Identifiers: MedGen C0950123, MeSH D030342.

gnomAD v4.1: 1 of 1,613,006 alleles (0.000062%); highest among the groups gnomAD compares: Non-Finnish European, 0.000085%; no homozygotes.

Submissions (2):

Ambry Genetics
Classification: Uncertain significance for Inborn genetic diseases. Last evaluated: 2025-12-19. Review status: criteria provided, single submitter. Criteria: Ambry Variant Classification Scheme 2023. Collection method: clinical testing. Allele origin: germline.

Labcorp Genetics (formerly Invitae), Labcorp
Classification: Uncertain significance. Last evaluated: 2025-10-01. Review status: criteria provided, single submitter. Criteria: Invitae Variant Classification Sherloc (09022015). Collection method: clinical testing. Allele origin: germline.
Comment: This sequence change replaces phenylalanine, which is neutral and non-polar, with cysteine, which is neutral and slightly polar, at codon 167 of the AHDC1 protein (p.Phe167Cys). This variant is not present in population databases (gnomAD no frequency). This variant has not been reported in the literature in individuals affected with AHDC1-related conditions. An algorithm developed to predict the effect of missense changes on protein structure and function (PolyPhen-2) suggests that this variant is likely to be disruptive. In summary, the available evidence is currently insufficient to determine the role of this variant in disease. Therefore, it has been classified as a Variant of Uncertain Significance.

NM_001371928.1(AHDC1):c.500T>G (p.Phe167Cys)

Gene: AHDC1 (AT-hook DNA binding motif containing 1; minus strand). Cytogenetic location: 1p36.11.
Variant type: single nucleotide variant.
Coding change: c.500T>G on transcript NM_001371928.1 (MANE Select); coding-DNA position 500, T replaced by G.
Protein change: p.Phe167Cys; replaces phenylalanine 167 with cysteine.
Molecular consequence: missense variant.
Genome position (GRCh38, 1-based): chr1:27,551,616, A>C on the plus strand (T>G on the coding strand, the complement: AHDC1 is on the minus strand). VCF-style: chr1-27551616-A-C. GRCh37 (hg19) VCF-style: chr1-27878127-A-C.
Other names: c.500T>G (NM_001029882.2); c.500T>G, p.Phe167Cys (NM_001029882.3); short protein forms F167C.
Identifiers: ClinVar variation 4809288 (VCV004809288.2).